The following is an entry in ClinVar:

NM_021008.4(DEAF1):c.101G>A (p.Gly34Glu)

Gene: DEAF1 (DEAF1 transcription factor; minus strand). Cytogenetic location: 11p15.5.
Variant type: single nucleotide variant.
Coding change: c.101G>A on transcript NM_021008.4 (MANE Select); coding-DNA position 101, G replaced by A.
Protein change: p.Gly34Glu; replaces glycine 34 with glutamic acid.
Molecular consequence: missense variant. On other transcripts: intron variant (1).
Genome position (GRCh38, 1-based): chr11:694,947, C>T on the plus strand (G>A on the coding strand, the complement: DEAF1 is on the minus strand). VCF-style: chr11-694947-C-T. GRCh37 (hg19) VCF-style: chr11-694947-C-T.
Other names: c.101G>A, p.Gly34Glu (NM_001293634.2); c.-437-3349G>A (NM_001367390.1); short protein forms G34E.
Identifiers: ClinVar variation 1946929 (VCV001946929.5), dbSNP rs1001719666, ClinGen allele CA5786656.

ClinVar aggregate classification (germline): Uncertain significance (1 of 4 stars; one submission).

gnomAD v4.1: 8 of 1,281,434 alleles (0.00062%); highest among the groups gnomAD compares: African/African-American, 0.0094%; no homozygotes.

Submission:

Labcorp Genetics (formerly Invitae), Labcorp
Classification: Uncertain significance. Last evaluated: 2024-07-11. Review status: criteria provided, single submitter. Criteria: Invitae Variant Classification Sherloc (09022015). Collection method: clinical testing. Allele origin: germline.
Comment: This sequence change replaces glycine, which is neutral and non-polar, with glutamic acid, which is acidic and polar, at codon 34 of the DEAF1 protein (p.Gly34Glu). The frequency data for this variant in the population databases is considered unreliable, as metrics indicate poor data quality at this position in the gnomAD database. This variant has not been reported in the literature in individuals affected with DEAF1-related conditions. ClinVar contains an entry for this variant (Variation ID: 1946929). An algorithm developed to predict the effect of missense changes on protein structure and function outputs the following: PolyPhen-2: "Benign". The glutamic acid amino acid residue is found in multiple mammalian species, which suggests that this missense change does not adversely affect protein function. In summary, the available evidence is currently insufficient to determine the role of this variant in disease. Therefore, it has been classified as a Variant of Uncertain Significance.